The following is an entry in ClinVar:

ClinVar aggregate classification (germline): Uncertain significance (1 of 4 stars; one submission).

Conditions:
Early Myoclonic Encephalopathy. Identifiers: MedGen C0270855.

Allele frequency attached by ClinVar (database versions not stated): TOPMed 0.00001.

Submission:

Labcorp Genetics (formerly Invitae), Labcorp
Classification: Uncertain significance for Early Myoclonic Encephalopathy. Last evaluated: 2022-03-19. Review status: criteria provided, single submitter. Criteria: Invitae Variant Classification Sherloc (09022015). Collection method: clinical testing. Allele origin: germline.
Comment: Algorithms developed to predict the effect of missense changes on protein structure and function (SIFT, PolyPhen-2, Align-GVGD) all suggest that this variant is likely to be tolerated. ClinVar contains an entry for this variant (Variation ID: 1011151). This variant has not been reported in the literature in individuals affected with JMJD1C-related conditions. This variant is not present in population databases (gnomAD no frequency). This sequence change replaces alanine, which is neutral and non-polar, with threonine, which is neutral and polar, at codon 1919 of the JMJD1C protein (p.Ala1919Thr). In summary, the available evidence is currently insufficient to determine the role of this variant in disease. Therefore, it has been classified as a Variant of Uncertain Significance.

NM_032776.3(JMJD1C):c.5755G>A (p.Ala1919Thr)

Gene: JMJD1C (jumonji domain containing 1C; minus strand). Cytogenetic location: 10q21.3.
Variant type: single nucleotide variant.
Coding change: c.5755G>A on transcript NM_032776.3 (MANE Select); coding-DNA position 5755, G replaced by A.
Protein change: p.Ala1919Thr; replaces alanine 1919 with threonine.
Molecular consequence: missense variant. On other transcripts: non-coding transcript variant (1).
Genome position (GRCh38, 1-based): chr10:63,193,452, C>T on the plus strand (G>A on the coding strand, the complement: JMJD1C is on the minus strand). VCF-style: chr10-63193452-C-T. GRCh37 (hg19) VCF-style: chr10-64953212-C-T.
Other names: c.5209G>A, p.Ala1737Thr (NM_001282948.2, NM_001318154.2); c.4891G>A, p.Ala1631Thr (NM_001318153.2); c.5641G>A, p.Ala1881Thr (NM_001322252.2); c.5098G>A, p.Ala1700Thr (NM_001322254.2, NM_001322258.2); short protein forms A1631T, A1700T, A1737T, A1881T, A1919T.
Identifiers: ClinVar variation 1011151 (VCV001011151.8), dbSNP rs1004536209, ClinGen allele CA208361482.